The following is an entry in ClinVar:

ClinVar aggregate classification (germline): Pathogenic (1 of 4 stars; one submission).

Conditions:
Junctional epidermolysis bullosa. Identifiers: Orphanet 305, MedGen C0079301, MONDO:0017612.

Submission:

Myriad Genetics, Inc.
Classification: Pathogenic for Junctional epidermolysis bullosa. Last evaluated: 2023-09-03. Review status: criteria provided, single submitter. Criteria: Myriad Autosomal Dominant, Autosomal Recessive and X-Linked Classification Criteria (2023). Collection method: clinical testing. Allele origin: unknown.
Comment: NM_000228.2(LAMB3):c.2137G>T(G713*) is expected to be pathogenic in the context of junctional epidermolysis bullosa, LAMB3-related. This variant is predicted to lead to an abnormal or absent protein product due to the creation of a premature termination codon in LAMB3, a gene where loss-of-function variants are known to be pathogenic. Please note: this variant was assessed in the context of healthy population screening.

NM_000228.3(LAMB3):c.2137G>T (p.Gly713Ter)

Gene: LAMB3 (laminin subunit beta 3; minus strand). Cytogenetic location: 1q32.2.
Variant type: single nucleotide variant.
Coding change: c.2137G>T on transcript NM_000228.3 (MANE Select); coding-DNA position 2137, G replaced by T.
Protein change: p.Gly713Ter; replaces glycine 713 with a stop codon.
Molecular consequence: nonsense.
Genome position (GRCh38, 1-based): chr1:209,623,840, C>A on the plus strand (G>T on the coding strand, the complement: LAMB3 is on the minus strand). VCF-style: chr1-209623840-C-A. GRCh37 (hg19) VCF-style: chr1-209797185-C-A.
Other names: c.2137G>T, p.Gly713Ter (NM_001017402.2, NM_001127641.1); short protein forms G713*.
Identifiers: ClinVar variation 5011528 (VCV005011528.1).